The following is an entry in ClinVar:

NM_000021.4(PSEN1):c.*1380C>T

Gene: PSEN1 (presenilin 1; plus strand). Cytogenetic location: 14q24.2.
Variant type: single nucleotide variant.
Coding change: c.*1380C>T on transcript NM_000021.4 (MANE Select); 1380 bases downstream of the stop codon, C replaced by T.
Molecular consequence: 3 prime UTR variant.
Genome position (GRCh38, 1-based): chr14:73,220,669, C>T. VCF-style: chr14-73220669-C-T. GRCh37 (hg19) VCF-style: chr14-73687377-C-T.
Other names: c.*1380C>T (NM_007318.3).
Identifiers: ClinVar variation 313964 (VCV000313964.6), dbSNP rs181825217, ClinGen allele CA10635158.
Genomic context (GRCh38, chr14:73,220,669, plus strand): 5'-TCCAGCAGCGAAGGGGATACAGTGAGCTAATGATGTCAAGGAGGAGTTTCAGGTTATTCT[C>T]GTCAGCTCCACAAATGGGTGCTTTGTGGTCTCTGCCCGCGTTACCTTTCCTCTCAATGTA-3'

ClinVar aggregate classification (germline): Uncertain significance. Review status: criteria provided, multiple submitters, no conflicts (2 of 4 stars). 3 submissions from 2 submitters: Uncertain significance (3). Last evaluated 2025-12-24.

Conditions:
Alzheimer disease 3 (AD3). Also called: ALZHEIMER DISEASE, FAMILIAL, 3. Identifiers: Orphanet 1020, MedGen C1843013, MONDO:0011913, OMIM 607822.
Dilated cardiomyopathy 1U. Identifiers: Orphanet 154, MedGen C3160720, MONDO:0013371, OMIM 613694.

Allele frequency attached by ClinVar (database versions not stated): gnomAD 0.00006; 1000 Genomes Project 0.00020; TOPMed 0.00016; 1000 Genomes Project 30x 0.00016.

Submissions (3):

Dasa
Classification: Uncertain significance. Last evaluated: 2025-12-24. Review status: criteria provided, single submitter. Criteria: DASA Assertion Criteria. Collection method: clinical testing. Allele origin: germline.
Comment: NM_000021.4(PSEN1):c.*1380C>T is a sequence variant. The variant is present at low frequency in population datasets. Based on the available data, this variant is classified as variant of uncertain significance.

Illumina Laboratory Services, Illumina
Classification: Uncertain significance for Dilated cardiomyopathy 1U. Last evaluated: 2018-01-12. Review status: criteria provided, single submitter. Criteria: ICSL Variant Classification Criteria 13 December 2019. Collection method: clinical testing. Allele origin: germline.

Illumina Laboratory Services, Illumina
Classification: Uncertain significance for Alzheimer disease 3. Last evaluated: 2018-01-12. Review status: criteria provided, single submitter. Criteria: ICSL Variant Classification Criteria 13 December 2019. Collection method: clinical testing. Allele origin: germline.